The following is an entry in ClinVar:

NM_024408.4(NOTCH2):c.1620G>A (p.Pro540=)

Gene: NOTCH2 (notch receptor 2; minus strand). Cytogenetic location: 1p12.
Variant type: single nucleotide variant.
Coding change: c.1620G>A on transcript NM_024408.4 (MANE Select); coding-DNA position 1620, G replaced by A.
Protein change: p.Pro540=; no amino-acid change (proline 540 retained).
Molecular consequence: synonymous variant.
Genome position (GRCh38, 1-based): chr1:119,965,514, C>T on the plus strand (G>A on the coding strand, the complement: NOTCH2 is on the minus strand). VCF-style: chr1-119965514-C-T. GRCh37 (hg19) VCF-style: chr1-120508137-C-T.
Other names: c.1620G>A, p.Pro540= (NM_001200001.2); c.1620G>A (NM_024408.3).
Identifiers: ClinVar variation 2038020 (VCV002038020.5), dbSNP rs370453906, ClinGen allele CA1040492.

ClinVar aggregate classification (germline): Likely benign. Review status: criteria provided, multiple submitters, no conflicts (2 of 4 stars). 2 submissions from 2 submitters: Likely benign (2). Last evaluated 2025-06-24.

Conditions:
NOTCH2-related disorder. Also called: NOTCH2-related condition.
Hajdu-Cheney syndrome (HJCYS). Also called: ACROOSTEOLYSIS WITH OSTEOPOROSIS AND CHANGES IN SKULL AND MANDIBLE; SERPENTINE FIBULA-POLYCYSTIC KIDNEY SYNDROME; Acroosteolysis dominant type. Identifiers: Orphanet 955, MedGen C0917715, MONDO:0007057, OMIM 102500.

Allele frequency attached by ClinVar (database versions not stated): ExAC 0.00004; gnomAD 0.00004; TOPMed 0.00006; ESP Exome Variant Server 0.00008; gnomAD exomes 0.00013.
gnomAD v4.1: 195 of 1,613,942 alleles (0.012%); highest among the groups gnomAD compares: Non-Finnish European, 0.016%; no homozygotes.

Submissions (2):

Labcorp Genetics (formerly Invitae), Labcorp
Classification: Likely benign for Hajdu-Cheney syndrome. Last evaluated: 2025-06-24. Review status: criteria provided, single submitter. Criteria: Invitae Variant Classification Sherloc (09022015). Collection method: clinical testing. Allele origin: germline.

PreventionGenetics, part of Exact Sciences
Classification: Likely benign for NOTCH2-related condition. Last evaluated: 2024-11-22. Review status: criteria provided, single submitter. Criteria: ACMG Guidelines, 2015. Collection method: clinical testing. Allele origin: germline.
Comment: This variant is classified as likely benign based on ACMG/AMP sequence variant interpretation guidelines (Richards et al. 2015 PMID: 25741868, with internal and published modifications).